The following is an entry in ClinVar:

NM_000350.3(ABCA4):c.4807C>T (p.Pro1603Ser)

Genes: ABCA4 (ATP binding cassette subfamily A member 4; minus strand), LOC126805793 (CDK7 strongly-dependent group 2 enhancer GRCh37_chr1:94486302-94487501; plus strand). Cytogenetic location: 1p22.1.
Variant type: single nucleotide variant.
Coding change: c.4807C>T on transcript NM_000350.3 (MANE Select); coding-DNA position 4807, C replaced by T.
Protein change: p.Pro1603Ser; replaces proline 1603 with serine.
Molecular consequence: missense variant.
Genome position (GRCh38, 1-based): chr1:94,021,681, G>A on the plus strand (C>T on the coding strand, the complement: ABCA4 is on the minus strand). VCF-style: chr1-94021681-G-A. GRCh37 (hg19) VCF-style: chr1-94487237-G-A.
Other names: c.4585C>T, p.Pro1529Ser (NM_001425324.1); short protein forms P1603S, P1529S.
Identifiers: ClinVar variation 1479699 (VCV001479699.5), dbSNP rs919216834, ClinGen allele CA26845035.

ClinVar aggregate classification (germline): Uncertain significance (1 of 4 stars; one submission).

Allele frequency attached by ClinVar (database versions not stated): gnomAD exomes below 0.00001; gnomAD 0.00004; TOPMed 0.00005.
gnomAD v4.1: 8 of 1,613,102 alleles (0.0005%); highest among the groups gnomAD compares: African/African-American, 0.011%; no homozygotes.

Submission:

Labcorp Genetics (formerly Invitae), Labcorp
Classification: Uncertain significance. Last evaluated: 2024-02-24. Review status: criteria provided, single submitter. Criteria: Invitae Variant Classification Sherloc (09022015). Collection method: clinical testing. Allele origin: germline.
Comment: This sequence change replaces proline, which is neutral and non-polar, with serine, which is neutral and polar, at codon 1603 of the ABCA4 protein (p.Pro1603Ser). This variant is present in population databases (no rsID available, gnomAD 0.01%). This variant has not been reported in the literature in individuals affected with ABCA4-related conditions. ClinVar contains an entry for this variant (Variation ID: 1479699). Advanced modeling of protein sequence and biophysical properties (such as structural, functional, and spatial information, amino acid conservation, physicochemical variation, residue mobility, and thermodynamic stability) performed at Invitae indicates that this missense variant is not expected to disrupt ABCA4 protein function with a negative predictive value of 95%. In summary, the available evidence is currently insufficient to determine the role of this variant in disease. Therefore, it has been classified as a Variant of Uncertain Significance.